The following is an entry in ClinVar:

ClinVar aggregate classification (germline): Likely benign. Review status: reviewed by expert panel (3 of 4 stars). 2 submissions from 2 submitters: Likely benign (1). 1 of the submissions does not count toward it. Last evaluated 2026-06-23.

Conditions:
Deficiency of UDPglucose-hexose-1-phosphate uridylyltransferase. Also called: Transferase Deficiency Galactosemia; GALACTOSE-1-PHOSPHATE URIDYLYLTRANSFERASE DEFICIENCY; GALT deficiency; Galactosemia, classic; GALACTOSEMIA I. Identifiers: Orphanet 352, Orphanet 79239, MedGen C0268151, MONDO:0009258, OMIM 230400.
Galactosemia. Also called: Galactose intolerance. Identifiers: Orphanet 352, MedGen C0016952, MONDO:0018116, HP:0004919. Disease mechanism: loss of function.

Submissions (2):

Clingen Galactosemia Variant Curation Expert Panel, ClinGen
Classification: Likely benign for Galactosemia. Last evaluated: 2026-06-23. Review status: reviewed by expert panel. Criteria: ClinGen Galactosemia ACMG Specifications GALT V1.1. Collection method: curation. Allele origin: germline. Inheritance: Autosomal recessive inheritance.
Comment: The c.699C>A (p.Val233=) variant (NM_000155.4) is a synonymous (silent) variant that is not predicted by SpliceAI to impact splicing. In addition, it occurs at a nucleotide that is not predicted to be involved in splicing and the codon usage is not predicted to be significantly different (BP4, BP7). The c.699C>A variant in GALT is not found in gnomAD v4.1.0, which is lower than the ClinGen Galactosemia threshold (≤0.0005) for PM2_Supporting, and therefore meets this criterion (PM2_Supporting). To our knowledge, this variant is not reported in the clinical literature in an affected individual. The Galactosemia VCEP does not consider PM2_Supporting as conflicting data with BP4 and BP7. Therefore, this variant meets the criteria to be classified as likely benign for galactosemia. ACMG/AMP criteria applied, as specified by the ClinGen Galactosemia VCEP: PM2_Supporting, BP4, BP7 (GALT specifications v1.0.0).

Labcorp Genetics (formerly Invitae), Labcorp
Classification: Likely benign for Deficiency of UDPglucose-hexose-1-phosphate uridylyltransferase. Last evaluated: 2024-02-22. Review status: criteria provided, single submitter. Criteria: Invitae Variant Classification Sherloc (09022015). Collection method: clinical testing. Allele origin: germline. Not counted in ClinVar's aggregate classification.

NM_000155.4(GALT):c.699C>A (p.Val233=)

Gene: GALT (galactose-1-phosphate uridylyltransferase; plus strand). Cytogenetic location: 9p13.3.
Variant type: single nucleotide variant.
Coding change: c.699C>A on transcript NM_000155.4 (MANE Select); coding-DNA position 699, C replaced by A.
Protein change: p.Val233=; no amino-acid change (valine 233 retained).
Molecular consequence: synonymous variant.
Genome position (GRCh38, 1-based): chr9:34,648,773, C>A. VCF-style: chr9-34648773-C-A. GRCh37 (hg19) VCF-style: chr9-34648770-C-A.
Other names: NM_001258332.2:c.372C>A; c.372C>A, p.Val124= (NM_001258332.2).
Identifiers: ClinVar variation 3639687 (VCV003639687.3), dbSNP rs111033756.
Genomic context (GRCh38, chr9:34,648,773, plus strand): 5'-CCGGCTCCTATGTCACCTTGATGACTTCCTATCCATTCTGTCTTCCTAGGAACGTCTGGT[C>A]CTAACCAGTGAGCACTGGTTAGTACTGGTCCCCTTCTGGGCAACATGGCCCTACCAGACA-3'
Protein context (NP_000146.2, residues 223-243): RQELLRKERL[Val233=]LTSEHWLVLV